The following is an entry in ClinVar:

NM_000548.5(TSC2):c.502A>T (p.Met168Leu)

Gene: TSC2 (TSC complex subunit 2; plus strand). Cytogenetic location: 16p13.3.
Variant type: single nucleotide variant.
Coding change: c.502A>T on transcript NM_000548.5 (MANE Select); coding-DNA position 502, A replaced by T.
Protein change: p.Met168Leu; replaces methionine 168 with leucine.
Molecular consequence: missense variant. On other transcripts: intron variant (1).
Genome position (GRCh38, 1-based): chr16:2,055,422, A>T. VCF-style: chr16-2055422-A-T. GRCh37 (hg19) VCF-style: chr16-2105423-A-T.
Other names: c.502A>T, p.Met168Leu (NM_001077183.3, NM_001114382.3, NM_001363528.2 and 8 more transcripts); c.391A>T, p.Met131Leu (NM_001318827.2, NM_001406670.1, NM_001406678.1); c.355A>T, p.Met119Leu (NM_001318829.2, NM_001406675.1, NM_001406676.1 and 1 more transcripts); c.535A>T, p.Met179Leu (NM_001318832.2); c.592A>T, p.Met198Leu (NM_001406667.1, NM_001406668.1); c.445A>T, p.Met149Leu (NM_001406677.1); c.-315A>T (NM_001406680.1, NM_001406683.1, NM_001406687.1); c.40A>T, p.Met14Leu (NM_001406681.1); and 6 more; short protein forms M149L, M179L, M119L, M14L, M168L, M131L, M198L.
Identifiers: ClinVar variation 1744879 (VCV001744879.9), dbSNP rs779566253, ClinGen allele CA394309165.

ClinVar aggregate classification (germline): Uncertain significance. Review status: criteria provided, multiple submitters, no conflicts (2 of 4 stars). 3 submissions from 3 submitters: Uncertain significance (3). Last evaluated 2025-05-05.

Conditions:
Tuberous sclerosis 2 (TSC2). Identifiers: Orphanet 805, MedGen C1860707, MONDO:0013199, OMIM 613254.
Hereditary cancer-predisposing syndrome. Also called: Neoplastic Syndromes, Hereditary; Tumor predisposition; Hereditary Cancer Syndrome; Hereditary neoplastic syndrome. Identifiers: Orphanet 140162, MedGen C0027672, MeSH D009386, MONDO:0015356.

Submissions (3):

Labcorp Genetics (formerly Invitae), Labcorp
Classification: Uncertain significance for Tuberous sclerosis 2. Last evaluated: 2025-05-05. Review status: criteria provided, single submitter. Criteria: Invitae Variant Classification Sherloc (09022015). Collection method: clinical testing. Allele origin: germline.
Comment: This sequence change replaces methionine, which is neutral and non-polar, with leucine, which is neutral and non-polar, at codon 168 of the TSC2 protein (p.Met168Leu). This variant is not present in population databases (gnomAD no frequency). This variant has not been reported in the literature in individuals affected with TSC2-related conditions. ClinVar contains an entry for this variant (Variation ID: 1744879). Invitae Evidence Modeling of protein sequence and biophysical properties (such as structural, functional, and spatial information, amino acid conservation, physicochemical variation, residue mobility, and thermodynamic stability) indicates that this missense variant is not expected to disrupt TSC2 protein function with a negative predictive value of 95%. In summary, the available evidence is currently insufficient to determine the role of this variant in disease. Therefore, it has been classified as a Variant of Uncertain Significance.

Ambry Genetics
Classification: Uncertain significance for Hereditary cancer-predisposing syndrome. Last evaluated: 2025-05-03. Review status: criteria provided, single submitter. Criteria: Ambry Variant Classification Scheme 2023. Collection method: clinical testing. Allele origin: germline.
Comment: The p.M168L variant (also known as c.502A>T), located in coding exon 5 of the TSC2 gene, results from an A to T substitution at nucleotide position 502. The methionine at codon 168 is replaced by leucine, an amino acid with highly similar properties. This amino acid position is highly conserved in available vertebrate species. In addition, the in silico prediction for this alteration is inconclusive. Based on the available evidence, the clinical significance of this variant remains unclear.

GeneDx
Classification: Uncertain significance. Last evaluated: 2024-02-28. Review status: criteria provided, single submitter. Criteria: GeneDx Variant Classification Process June 2021. Collection method: clinical testing. Allele origin: germline. Affected: yes.
Comment: Not observed at significant frequency in large population cohorts (gnomAD); In silico analysis supports that this missense variant does not alter protein structure/function; Has not been previously published as pathogenic or benign to our knowledge; This variant is associated with the following publications: (PMID: 18466115)